The following is an entry in ClinVar:

NM_003114.5(SPAG1):c.1136C>A (p.Pro379Gln)

Gene: SPAG1 (sperm associated antigen 1; plus strand). Cytogenetic location: 8q22.2.
Variant type: single nucleotide variant.
Coding change: c.1136C>A on transcript NM_003114.5 (MANE Select); coding-DNA position 1136, C replaced by A.
Protein change: p.Pro379Gln; replaces proline 379 with glutamine.
Molecular consequence: missense variant.
Genome position (GRCh38, 1-based): chr8:100,213,129, C>A. VCF-style: chr8-100213129-C-A. GRCh37 (hg19) VCF-style: chr8-101225357-C-A.
Other names: c.1136C>A, p.Pro379Gln (NM_001374321.1, NM_172218.3); short protein forms P379Q.
Identifiers: ClinVar variation 4635462 (VCV004635462.1).

ClinVar aggregate classification (germline): Uncertain significance (1 of 4 stars; one submission).

Conditions:
Primary ciliary dyskinesia. Also called: Ciliary dyskinesia. Identifiers: Orphanet 244, MedGen C0008780, MONDO:0016575, HP:0012265.

Submission:

Ambry Genetics
Classification: Uncertain significance for Primary ciliary dyskinesia. Last evaluated: 2025-12-02. Review status: criteria provided, single submitter. Criteria: Ambry Variant Classification Scheme 2023. Collection method: clinical testing. Allele origin: germline.
Comment: The p.P379Q variant (also known as c.1136C>A), located in coding exon 10 of the SPAG1 gene, results from a C to A substitution at nucleotide position 1136. The proline at codon 379 is replaced by glutamine, an amino acid with similar properties. This amino acid position is conserved. In addition, this alteration is predicted to be tolerated by in silico analysis. Based on the available evidence, the clinical significance of this variant remains unclear.